The following is an entry in ClinVar:

ClinVar aggregate classification (germline): Uncertain significance (1 of 4 stars; one submission).

Conditions:
Dilated cardiomyopathy 1O (CMD1O). Also called: CARDIOMYOPATHY, DILATED, WITH VENTRICULAR TACHYCARDIA. Identifiers: Orphanet 154, MedGen C1837839, MONDO:0012062, OMIM 608569.

gnomAD v4.1: 3 of 1,613,994 alleles (0.00019%); highest among the groups gnomAD compares: Admixed American, 0.005%; no homozygotes.

Submission:

Labcorp Genetics (formerly Invitae), Labcorp
Classification: Uncertain significance for Dilated cardiomyopathy 1O. Last evaluated: 2023-11-27. Review status: criteria provided, single submitter. Criteria: Invitae Variant Classification Sherloc (09022015). Collection method: clinical testing. Allele origin: germline.
Comment: This sequence change replaces glycine, which is neutral and non-polar, with arginine, which is basic and polar, at codon 648 of the ABCC9 protein (p.Gly648Arg). This variant is present in population databases (rs368279608, gnomAD 0.009%). This variant has not been reported in the literature in individuals affected with ABCC9-related conditions. ClinVar contains an entry for this variant (Variation ID: 464657). Advanced modeling of protein sequence and biophysical properties (such as structural, functional, and spatial information, amino acid conservation, physicochemical variation, residue mobility, and thermodynamic stability) performed at Invitae indicates that this missense variant is not expected to disrupt ABCC9 protein function with a negative predictive value of 80%. In summary, the available evidence is currently insufficient to determine the role of this variant in disease. Therefore, it has been classified as a Variant of Uncertain Significance.

NM_020297.4(ABCC9):c.1942G>C (p.Gly648Arg)

Gene: ABCC9 (ATP binding cassette subfamily C member 9; minus strand). Cytogenetic location: 12p12.1.
Variant type: single nucleotide variant.
Coding change: c.1942G>C on transcript NM_020297.4 (MANE Select); coding-DNA position 1942, G replaced by C.
Protein change: p.Gly648Arg; replaces glycine 648 with arginine.
Molecular consequence: missense variant.
Genome position (GRCh38, 1-based): chr12:21,882,843, C>G on the plus strand (G>C on the coding strand, the complement: ABCC9 is on the minus strand). VCF-style: chr12-21882843-C-G. GRCh37 (hg19) VCF-style: chr12-22035777-C-G.
Other names: c.1942G>C, p.Gly648Arg (NM_001377273.1, NM_005691.4); c.1078G>C, p.Gly360Arg (NM_001377274.1); short protein forms G648R, G360R.
Identifiers: ClinVar variation 464657 (VCV000464657.6), dbSNP rs368279608, ClinGen allele CA6481543.